The following is an entry in ClinVar:

NM_032444.4(SLX4):c.1037T>G (p.Leu346Ter)

Gene: SLX4 (SLX4 structure-specific endonuclease subunit; minus strand). Cytogenetic location: 16p13.3.
Variant type: single nucleotide variant.
Coding change: c.1037T>G on transcript NM_032444.4 (MANE Select); coding-DNA position 1037, T replaced by G.
Protein change: p.Leu346Ter; replaces leucine 346 with a stop codon.
Molecular consequence: nonsense.
Genome position (GRCh38, 1-based): chr16:3,601,105, A>C on the plus strand (T>G on the coding strand, the complement: SLX4 is on the minus strand). VCF-style: chr16-3601105-A-C. GRCh37 (hg19) VCF-style: chr16-3651106-A-C.
Other names: short protein forms L346*.
Identifiers: ClinVar variation 3696418 (VCV003696418.2).

ClinVar aggregate classification (germline): Pathogenic (1 of 4 stars; one submission).

Conditions:
Fanconi anemia (FA). Also called: Fanconi's anemia. Identifiers: Orphanet 84, MedGen C0015625, MeSH D005199, MONDO:0019391.

gnomAD v4.1: 1 of 1,614,006 alleles (0.000062%); highest among the groups gnomAD compares: African/African-American, 0.0013%; no homozygotes.

Submission:

Labcorp Genetics (formerly Invitae), Labcorp
Classification: Pathogenic for Fanconi anemia. Last evaluated: 2024-02-17. Review status: criteria provided, single submitter. Criteria: Invitae Variant Classification Sherloc (09022015). Collection method: clinical testing. Allele origin: germline.
Comment: This sequence change creates a premature translational stop signal (p.Leu346*) in the SLX4 gene. It is expected to result in an absent or disrupted protein product. Loss-of-function variants in SLX4 are known to be pathogenic (PMID: 21240277). This variant is not present in population databases (gnomAD no frequency). This variant has not been reported in the literature in individuals affected with SLX4-related conditions. For these reasons, this variant has been classified as Pathogenic.

Literature cited by the submitters: PubMed 21240277.